The following is an entry in ClinVar:

NM_001457.4(FLNB):c.501C>A (p.Asp167Glu)

Gene: FLNB (filamin B; plus strand). Cytogenetic location: 3p14.3.
Variant type: single nucleotide variant.
Coding change: c.501C>A on transcript NM_001457.4 (MANE Select); coding-DNA position 501, C replaced by A.
Protein change: p.Asp167Glu; replaces aspartic acid 167 with glutamic acid.
Molecular consequence: missense variant.
Genome position (GRCh38, 1-based): chr3:58,077,254, C>A. VCF-style: chr3-58077254-C-A. GRCh37 (hg19) VCF-style: chr3-58062981-C-A.
Other names: c.501C>A, p.Asp167Glu (NM_001164317.2, NM_001164318.2, NM_001164319.2); short protein forms D167E.
Identifiers: ClinVar variation 1048081 (VCV001048081.9), dbSNP rs746892435, ClinGen allele CA353333572.
Genomic context (GRCh38, chr3:58,077,254, plus strand): 5'-GTGGATTCAGAACAAGATCCCCTACTTGCCCATCACCAACTTTAACCAGAACTGGCAAGA[C>A]GGCAAAGCCCTGGGAGCCCTGGTAGACAGCTGTGCTCCAGGTAAGTGGCCAGGGCTGCCT-3'
Protein context (NP_001448.2, residues 157-177): PITNFNQNWQ[Asp167Glu]GKALGALVDS

ClinVar aggregate classification (germline): Conflicting classifications of pathogenicity. Review status: criteria provided, conflicting classifications (1 of 4 stars). 2 submissions from 2 submitters: Likely pathogenic (1); Uncertain significance (1). Last evaluated 2020-12-01.

Conditions:
Larsen syndrome (LRS). Also called: Bilateral dislocation of the knees, pes cavus, cylindrically shaped fingers and characteristic facies; Larsen syndrome (FLNB-LS). Identifiers: Orphanet 503, MedGen C0175778, MONDO:0007875, OMIM 150250. Disease mechanism: loss of function.

Submissions (2):

Labcorp Genetics (formerly Invitae), Labcorp
Classification: Likely pathogenic. Last evaluated: 2020-12-01. Review status: criteria provided, single submitter. Criteria: Invitae Variant Classification Sherloc (09022015). Collection method: clinical testing. Allele origin: germline.
Comment: In summary, the currently available evidence indicates that the variant is pathogenic, but additional data are needed to prove that conclusively. Therefore, this variant has been classified as Likely Pathogenic. This variant disrupts the p.Asp167 amino acid residue in FLNB. Other variant(s) that disrupt this residue have been determined to be pathogenic (PMID: 22190451). This suggests that this residue is clinically significant, and that variants that disrupt this residue are likely to be disease-causing. Advanced modeling of protein sequence and biophysical properties (such as structural, functional, and spatial information, amino acid conservation, physicochemical variation, residue mobility, and thermodynamic stability) performed at Invitae indicates that this missense variant is not expected to disrupt FLNB protein function. This variant has been observed in individual(s) with Larsen syndrome (PMID: 22190451). In at least one individual the variant was observed to be de novo. This variant is not present in population databases (ExAC no frequency). This sequence change replaces aspartic acid with glutamic acid at codon 167 of the FLNB protein (p.Asp167Glu). The aspartic acid residue is highly conserved and there is a small physicochemical difference between aspartic acid and glutamic acid.

Breda Genetics srl
Classification: Uncertain significance for Larsen syndrome. Last evaluated: 2019-02-28. Review status: criteria provided, single submitter. Criteria: ACMG Guidelines, 2015. Collection method: clinical testing. Allele origin: germline. Inheritance: Autosomal dominant inheritance. Affected: yes. Observed: 1 variant allele, 1 heterozygote.
Comment: The variant c.501C>A (p.Asp167Glu) in the FLNB gene is reported as pathogenic/unknown in the Mendelian genes FLNB LOVD database v.3.0, found as de novo variant in a patient with Larsen syndrome (patient #0005056). This variant has not been reported in dbSNP, gnomAD, 1000 Genomes, NHLI Exome Sequencing Project (ESP) or ClinVar. The nucleotide position is not conserved across 35 mammalian species (GERP RS: -2.76). In silico analysis gives inconsistent results. The mutational spectrum of FLNB-related disorders includes mostly missense mutations, but also a few nonsense, frameshift and non-frameshift variants. Notably, pathogenic variants associated with Larsen syndrome can occur in exons 2-5 and exons 27-33 (PMID: 20301736). Missense variants in the surroundings of the variant c.501C>A (p.Asp167Glu) identified in the proband have been interpreted in ClinVar either as pathogenic or as uncertain (variation IDs: 6398, 284104, 38961). Based on ACMG variant interpretation guidelines, we classify this variant as uncertain. However, on the basis of the aforementioned evidence, there is a given likelihood that the variant may actually be pathogenic, even if we cannot exclude that it is a rare benign variant.

Literature cited by the submitters: PubMed 22190451 (cited by Labcorp Genetics (formerly Invitae), Labcorp).